The following is an entry in ClinVar:

NM_173547.4(TRIM65):c.606C>T (p.Ile202=)

Gene: TRIM65 (tripartite motif containing 65; minus strand). Cytogenetic location: 17q25.1.
Variant type: single nucleotide variant.
Coding change: c.606C>T on transcript NM_173547.4 (MANE Select); coding-DNA position 606, C replaced by T.
Protein change: p.Ile202=; no amino-acid change (isoleucine 202 retained).
Molecular consequence: synonymous variant.
Genome position (GRCh38, 1-based): chr17:75,892,405, G>A on the plus strand (C>T on the coding strand, the complement: TRIM65 is on the minus strand). VCF-style: chr17-75892405-G-A. GRCh37 (hg19) VCF-style: chr17-73888486-G-A.
Other names: c.606C>T, p.Ile202= (NM_001256124.2).
Identifiers: ClinVar variation 2648283 (VCV002648283.24), dbSNP rs147573058, ClinGen allele CA8774832.

ClinVar aggregate classification (germline): Likely benign (1 of 4 stars; one submission).

Allele frequency attached by ClinVar (database versions not stated): 1000 Genomes Project 0.00140; 1000 Genomes Project 30x 0.00141; TOPMed 0.00203; gnomAD 0.00232; ExAC 0.00239; ESP Exome Variant Server 0.00254.

Submission:

CeGaT Center for Human Genetics Tuebingen
Classification: Likely benign. Last evaluated: 2022-12-01. Review status: criteria provided, single submitter. Criteria: CeGaT Center For Human Genetics Tuebingen Variant Classification Criteria Version 2. Collection method: clinical testing. Allele origin: germline. Affected: yes. Observed: 1 variant allele.
Comment: TRIM65: BP4, BP7, BS2